The following is an entry in ClinVar:

NM_001042492.3(NF1):c.8161-7A>G

Gene: NF1 (neurofibromin 1; plus strand). Cytogenetic location: 17q11.2.
Variant type: single nucleotide variant.
Coding change: c.8161-7A>G on transcript NM_001042492.3 (MANE Select); 7 bases into the intron before coding-DNA position 8161, A replaced by G.
Molecular consequence: intron variant.
Genome position (GRCh38, 1-based): chr17:31,360,480, A>G. VCF-style: chr17-31360480-A-G. GRCh37 (hg19) VCF-style: chr17-29687498-A-G.
Other names: c.8098-7A>G (NM_000267.4).
Identifiers: ClinVar variation 457867 (VCV000457867.12), dbSNP rs767623039, ClinGen allele CA8487774.

ClinVar aggregate classification (germline): Likely benign. Review status: criteria provided, multiple submitters, no conflicts (2 of 4 stars). 3 submissions from 3 submitters: Likely benign (3). Last evaluated 2026-05-14.

Conditions:
Hereditary cancer-predisposing syndrome. Also called: Hereditary neoplastic syndrome; Neoplastic Syndromes, Hereditary; Hereditary Cancer Syndrome; Tumor predisposition. Identifiers: Orphanet 140162, MedGen C0027672, MeSH D009386, MONDO:0015356.
Neurofibromatosis, type 1 (NF1). Also called: Peripheral type neurofibromatosis; Neurofibromatosis, type I; VON RECKLINGHAUSEN DISEASE; NEUROFIBROMATOSIS, TYPE I, SOMATIC. Identifiers: Orphanet 636, MedGen C0027831, MONDO:0018975, OMIM 162200. Disease mechanism: loss of function.

Allele frequency attached by ClinVar (database versions not stated): gnomAD exomes 0.00001 and below 0.00001; TOPMed below 0.00001; ExAC 0.00001.
gnomAD v4.1: 3 of 1,613,220 alleles (0.00019%); highest among the groups gnomAD compares: Admixed American, 0.005%; no homozygotes.

Submissions (3):

Myriad Genetics, Inc.
Classification: Likely benign for Neurofibromatosis, type 1. Last evaluated: 2026-05-14. Review status: criteria provided, single submitter. Criteria: Myriad Autosomal Dominant, Autosomal Recessive and X-Linked Classification Criteria (2023). Collection method: clinical testing. Allele origin: unknown.
Comment: This variant is considered likely benign. This variant is intronic and is not expected to impact mRNA splicing.

Labcorp Genetics (formerly Invitae), Labcorp
Classification: Likely benign for Neurofibromatosis, type 1. Last evaluated: 2025-12-26. Review status: criteria provided, single submitter. Criteria: Invitae Variant Classification Sherloc (09022015). Collection method: clinical testing. Allele origin: germline.

Institute for Biomarker Research, Medical Diagnostic Laboratories, L.L.C.
Classification: Likely benign for Hereditary cancer-predisposing syndrome. Last evaluated: 2023-11-06. Review status: criteria provided, single submitter. Criteria: ACMG Guidelines, 2015. Collection method: clinical testing. Allele origin: germline.